The following is an entry in ClinVar:

NM_001134665.3(TRMT10A):c.238A>G (p.Met80Val)

Gene: TRMT10A (tRNA methyltransferase 10A; minus strand). Cytogenetic location: 4q23.
Variant type: single nucleotide variant.
Coding change: c.238A>G on transcript NM_001134665.3 (MANE Select); coding-DNA position 238, A replaced by G.
Protein change: p.Met80Val; replaces methionine 80 with valine.
Molecular consequence: missense variant.
Genome position (GRCh38, 1-based): chr4:99,558,159, T>C on the plus strand (A>G on the coding strand, the complement: TRMT10A is on the minus strand). VCF-style: chr4-99558159-T-C. GRCh37 (hg19) VCF-style: chr4-100479316-T-C.
Other names: c.238A>G, p.Met80Val (NM_001134666.3, NM_001375880.1, NM_001375881.1 and 2 more transcripts); short protein forms M80V.
Identifiers: ClinVar variation 2103431 (VCV002103431.4), dbSNP rs2476028267, ClinGen allele CA357512469.

ClinVar aggregate classification (germline): Uncertain significance (1 of 4 stars; one submission).

Submission:

Labcorp Genetics (formerly Invitae), Labcorp
Classification: Uncertain significance. Last evaluated: 2025-02-24. Review status: criteria provided, single submitter. Criteria: Invitae Variant Classification Sherloc (09022015). Collection method: clinical testing. Allele origin: germline.
Comment: This sequence change replaces methionine, which is neutral and non-polar, with valine, which is neutral and non-polar, at codon 80 of the TRMT10A protein (p.Met80Val). This variant is not present in population databases (gnomAD no frequency). This variant has not been reported in the literature in individuals affected with TRMT10A-related conditions. ClinVar contains an entry for this variant (Variation ID: 2103431). Invitae Evidence Modeling of protein sequence and biophysical properties (such as structural, functional, and spatial information, amino acid conservation, physicochemical variation, residue mobility, and thermodynamic stability) indicates that this missense variant is not expected to disrupt TRMT10A protein function with a negative predictive value of 80%. In summary, the available evidence is currently insufficient to determine the role of this variant in disease. Therefore, it has been classified as a Variant of Uncertain Significance.